The following is an entry in ClinVar:

ClinVar aggregate classification (germline): Pathogenic. Review status: criteria provided, multiple submitters, no conflicts (2 of 4 stars). 4 submissions from 4 submitters: Pathogenic (3). 1 of the submissions does not count toward it. Last evaluated 2026-09-01.

Conditions:
Hereditary cancer-predisposing syndrome. Also called: Hereditary neoplastic syndrome; Hereditary Cancer Syndrome; Neoplastic Syndromes, Hereditary; Tumor predisposition. Identifiers: Orphanet 140162, MedGen C0027672, MeSH D009386, MONDO:0015356.
Ataxia-telangiectasia syndrome (AT). Also called: LOUIS-BAR SYNDROME; Cerebello-oculocutaneous telangiectasia; Immunodeficiency with ataxia telangiectasia; Ataxia-telangiectasia, complementation group E; Ataxia-telangiectasia, complementation group D; AT, COMPLEMENTATION GROUP C. Identifiers: Orphanet 100, MedGen C0004135, MONDO:0008840, OMIM 208900.
Familial cancer of breast. Also called: BREAST CANCER, FAMILIAL; hereditary breast carcinoma; Hereditary breast cancer. Identifiers: Orphanet 227535, MedGen C0346153, MONDO:0016419, OMIM 114480. Disease mechanism: loss of function.
Malignant tumor of urinary bladder. Also called: Bladder cancer; Urinary bladder cancer; Urinary Bladder Neoplasms. Identifiers: MedGen C0005684, MONDO:0001187, OMIM 109800.

Allele frequency attached by ClinVar (database versions not stated): gnomAD exomes below 0.00001.
gnomAD v4.1: 1 of 1,613,836 alleles (0.000062%); highest among the groups gnomAD compares: Non-Finnish European, 0.000085%; no homozygotes.

Submissions (4):

Ambry Genetics
Classification: Pathogenic for Hereditary cancer-predisposing syndrome. Last evaluated: 2026-09-01. Review status: criteria provided, single submitter. Criteria: Ambry Variant Classification Scheme 2023. Collection method: clinical testing. Allele origin: germline.
Comment: The p.W1710* pathogenic mutation (also known as c.5129G>A), located in coding exon 33 of the ATM gene, results from a G to A substitution at nucleotide position 5129. This changes the amino acid from a tryptophan to a stop codon within coding exon 33. This variant is considered to be rare based on population cohorts in the Genome Aggregation Database (gnomAD). This alteration is expected to result in loss of function by premature protein truncation or nonsense-mediated mRNA decay. As such, this alteration is interpreted as a disease-causing mutation.

Labcorp Genetics (formerly Invitae), Labcorp
Classification: Pathogenic for Ataxia-telangiectasia syndrome. Last evaluated: 2025-01-14. Review status: criteria provided, single submitter. Criteria: Invitae Variant Classification Sherloc (09022015). Collection method: clinical testing. Allele origin: germline.
Comment: This sequence change creates a premature translational stop signal (p.Trp1710*) in the ATM gene. It is expected to result in an absent or disrupted protein product. Loss-of-function variants in ATM are known to be pathogenic (PMID: 23807571, 25614872). This variant is not present in population databases (gnomAD no frequency). This variant has not been reported in the literature in individuals affected with ATM-related conditions. ClinVar contains an entry for this variant (Variation ID: 2582243). Algorithms developed to predict the effect of sequence changes on RNA splicing suggest that this variant may disrupt the consensus splice site. For these reasons, this variant has been classified as Pathogenic.

Myriad Genetics, Inc.
Classification: Pathogenic for Familial cancer of breast. Last evaluated: 2024-01-25. Review status: criteria provided, single submitter. Criteria: Myriad Autosomal Dominant, Autosomal Recessive and X-Linked Classification Criteria (2023). Collection method: clinical testing. Allele origin: unknown.
Comment: This variant is considered pathogenic. This variant creates a termination codon and is predicted to result in premature protein truncation.

Laboratory of Urology, Hospital Clinic de Barcelona
Classification: Pathogenic for Malignant tumor of urinary bladder. Review status: no assertion criteria provided. Collection method: research. Allele origin: somatic. Affected: yes. Not counted in ClinVar's aggregate classification.

Literature cited by the submitters: PubMed 23807571 (cited by Labcorp Genetics (formerly Invitae), Labcorp); PubMed 25614872 (cited by Labcorp Genetics (formerly Invitae), Labcorp).

NM_000051.4(ATM):c.5129G>A (p.Trp1710Ter)

Gene: ATM (ATM serine/threonine kinase; plus strand). Cytogenetic location: 11q22.3.
Variant type: single nucleotide variant.
Coding change: c.5129G>A on transcript NM_000051.4 (MANE Select); coding-DNA position 5129, G replaced by A.
Protein change: p.Trp1710Ter; replaces tryptophan 1710 with a stop codon.
Molecular consequence: nonsense.
Genome position (GRCh38, 1-based): chr11:108,299,837, G>A. VCF-style: chr11-108299837-G-A. GRCh37 (hg19) VCF-style: chr11-108170564-G-A.
Other names: c.5129G>A, p.Trp1710Ter (NM_001351834.2); short protein forms W1710*.
Identifiers: ClinVar variation 2582243 (VCV002582243.5), dbSNP rs2135891669, ClinGen allele CA382540907.
Genomic context (GRCh38, chr11:108,299,837, plus strand): 5'-ATAGTAAAGATGCATCTTATACCAAGGCCCTTAAGTTATTTGAAGATAAAGAACTTCAGT[G>A]GACCTTCATAATGCTGACCTACCTGAATAACACACTGGTAGAAGATTGGTGAGTATTTAT-3'